The following is an entry in ClinVar:

ClinVar aggregate classification (germline): Uncertain significance (1 of 4 stars; one submission).

Conditions:
Developmental and epileptic encephalopathy, 9 (DEE9). Also called: Early infantile epileptic encephalopathy 9; JUBERG-HELLMAN SYNDROME; EPILEPSY, FEMALE-RESTRICTED, WITH MENTAL RETARDATION; PCDH19-Related X-Linked Female-Limited Epilepsy with Mental Retardation. Identifiers: Orphanet 101039, Orphanet 2076, MedGen C1848137, MONDO:0010246, OMIM 300088. Disease mechanism: loss of function.

Submission:

Labcorp Genetics (formerly Invitae), Labcorp
Classification: Uncertain significance for Developmental and epileptic encephalopathy, 9. Last evaluated: 2021-03-24. Review status: criteria provided, single submitter. Criteria: Invitae Variant Classification Sherloc (09022015). Collection method: clinical testing. Allele origin: germline.
Comment: This variant is not present in population databases (ExAC no frequency). This sequence change replaces glycine with serine at codon 1035 of the PCDH19 protein (p.Gly1035Ser). The glycine residue is highly conserved and there is a small physicochemical difference between glycine and serine. This variant has not been reported in the literature in individuals with PCDH19-related conditions. In summary, the available evidence is currently insufficient to determine the role of this variant in disease. Therefore, it has been classified as a Variant of Uncertain Significance. Advanced modeling of protein sequence and biophysical properties (such as structural, functional, and spatial information, amino acid conservation, physicochemical variation, residue mobility, and thermodynamic stability) performed at Invitae indicates that this missense variant is not expected to disrupt PCDH19 protein function.

NM_001184880.2(PCDH19):c.3103G>A (p.Gly1035Ser)

Gene: PCDH19 (protocadherin 19; minus strand). Cytogenetic location: Xq22.1.
Variant type: single nucleotide variant.
Coding change: c.3103G>A on transcript NM_001184880.2 (MANE Select); coding-DNA position 3103, G replaced by A.
Protein change: p.Gly1035Ser; replaces glycine 1035 with serine.
Molecular consequence: missense variant.
Genome position (GRCh38, 1-based): chrX:100,296,621, C>T on the plus strand (G>A on the coding strand, the complement: PCDH19 is on the minus strand). VCF-style: chrX-100296621-C-T. GRCh37 (hg19) VCF-style: chrX-99551619-C-T.
Other names: c.2962G>A, p.Gly988Ser (NM_001105243.2); c.2959G>A, p.Gly987Ser (NM_020766.3); short protein forms G987S, G1035S, G988S.
Identifiers: ClinVar variation 1380951 (VCV001380951.8), dbSNP rs2147446085, ClinGen allele CA414000443.